The following is an entry in ClinVar:

NM_004859.4(CLTC):c.4285C>T (p.Arg1429Trp)

Genes: CLTC (clathrin heavy chain; plus strand), LOC126862609 (CDK7 strongly-dependent group 2 enhancer GRCh37_chr17:57760547-57761746; plus strand). Cytogenetic location: 17q23.1.
Variant type: single nucleotide variant.
Coding change: c.4285C>T on transcript NM_004859.4 (MANE Select); coding-DNA position 4285, C replaced by T.
Protein change: p.Arg1429Trp; replaces arginine 1429 with tryptophan.
Molecular consequence: missense variant.
Genome position (GRCh38, 1-based): chr17:59,683,718, C>T. VCF-style: chr17-59683718-C-T. GRCh37 (hg19) VCF-style: chr17-57761079-C-T.
Other names: c.4297C>T, p.Arg1433Trp (NM_001288653.2); short protein forms R1429W, R1433W.
Identifiers: ClinVar variation 1509230 (VCV001509230.8), dbSNP rs922513506, ClinGen allele CA400421265.

ClinVar aggregate classification (germline): Uncertain significance (1 of 4 stars; one submission).

Allele frequency attached by ClinVar (database versions not stated): gnomAD exomes below 0.00001.
gnomAD v4.1: 1 of 1,614,142 alleles (0.000062%); highest among the groups gnomAD compares: Non-Finnish European, 0.000085%; no homozygotes.

Submission:

Labcorp Genetics (formerly Invitae), Labcorp
Classification: Uncertain significance. Last evaluated: 2024-05-15. Review status: criteria provided, single submitter. Criteria: Invitae Variant Classification Sherloc (09022015). Collection method: clinical testing. Allele origin: germline.
Comment: This sequence change replaces arginine, which is basic and polar, with tryptophan, which is neutral and slightly polar, at codon 1433 of the CLTC protein (p.Arg1433Trp). This variant is not present in population databases (gnomAD no frequency). This variant has not been reported in the literature in individuals affected with CLTC-related conditions. ClinVar contains an entry for this variant (Variation ID: 1509230). Advanced modeling of protein sequence and biophysical properties (such as structural, functional, and spatial information, amino acid conservation, physicochemical variation, residue mobility, and thermodynamic stability) performed at Invitae indicates that this missense variant is expected to disrupt CLTC protein function with a positive predictive value of 80%. In summary, the available evidence is currently insufficient to determine the role of this variant in disease. Therefore, it has been classified as a Variant of Uncertain Significance.